The following is an entry in ClinVar:

NM_015692.5(CPAMD8):c.3589T>A (p.Tyr1197Asn)

Gene: CPAMD8 (C3 and PZP like alpha-2-macroglobulin domain containing 8; minus strand). Cytogenetic location: 19p13.11.
Variant type: single nucleotide variant.
Coding change: c.3589T>A on transcript NM_015692.5 (MANE Select); coding-DNA position 3589, T replaced by A.
Protein change: p.Tyr1197Asn; replaces tyrosine 1197 with asparagine.
Molecular consequence: missense variant.
Genome position (GRCh38, 1-based): chr19:16,921,945, A>T on the plus strand (T>A on the coding strand, the complement: CPAMD8 is on the minus strand). VCF-style: chr19-16921945-A-T. GRCh37 (hg19) VCF-style: chr19-17032755-A-T.
Other names: c.3730T>A (NM_015692.2); short protein forms Y1197N.
Identifiers: ClinVar variation 2859616 (VCV002859616.4), dbSNP rs2512869848, ClinGen allele CA404643748.

ClinVar aggregate classification (germline): Uncertain significance. Review status: criteria provided, single submitter (1 of 4 stars). 2 submissions from 2 submitters: Uncertain significance (1). 1 of the submissions does not count toward it. Last evaluated 2023-11-28.

Conditions:
CPAMD8-related disorder. Also called: CPAMD8-related condition.

Submissions (2):

Labcorp Genetics (formerly Invitae), Labcorp
Classification: Uncertain significance. Last evaluated: 2023-11-28. Review status: criteria provided, single submitter. Criteria: Invitae Variant Classification Sherloc (09022015). Collection method: clinical testing. Allele origin: germline.
Comment: This sequence change replaces tyrosine, which is neutral and polar, with asparagine, which is neutral and polar, at codon 1244 of the CPAMD8 protein (p.Tyr1244Asn). This variant is not present in population databases (gnomAD no frequency). This variant has not been reported in the literature in individuals affected with CPAMD8-related conditions. An algorithm developed to predict the effect of missense changes on protein structure and function (PolyPhen-2) suggests that this variant is likely to be disruptive. In summary, the available evidence is currently insufficient to determine the role of this variant in disease. Therefore, it has been classified as a Variant of Uncertain Significance.

PreventionGenetics, part of Exact Sciences
Classification: Uncertain significance for CPAMD8-related condition. Last evaluated: 2024-04-16. Review status: no assertion criteria provided. Collection method: clinical testing. Allele origin: germline. Not counted in ClinVar's aggregate classification.
Comment: The CPAMD8 c.3730T>A variant is predicted to result in the amino acid substitution p.Tyr1244Asn. To our knowledge, this variant has not been reported in the literature or in a large population database, indicating this variant is rare. At this time, the clinical significance of this variant is uncertain due to the absence of conclusive functional and genetic evidence.